The following is an entry in ClinVar:

ClinVar aggregate classification (germline): Likely benign (1 of 4 stars; one submission).

Submission:

CeGaT Center for Human Genetics Tuebingen
Classification: Likely benign. Last evaluated: 2026-03-01. Review status: criteria provided, single submitter. Criteria: CeGaT Center For Human Genetics Tuebingen Variant Classification Criteria Version 2. Collection method: clinical testing. Allele origin: germline. Affected: yes. Observed: 1 variant allele.
Comment: FMN2: PM2:Supporting, BP4, BP7

NM_020066.5(FMN2):c.3567T>A (p.Pro1189=)

Gene: FMN2 (formin 2; plus strand). Cytogenetic location: 1q43.
Variant type: single nucleotide variant.
Coding change: c.3567T>A on transcript NM_020066.5 (MANE Select); coding-DNA position 3567, T replaced by A.
Protein change: p.Pro1189=; no amino-acid change (proline 1189 retained).
Molecular consequence: synonymous variant. On other transcripts: intron variant (1).
Genome position (GRCh38, 1-based): chr1:240,208,379, T>A. VCF-style: chr1-240208379-T-A. GRCh37 (hg19) VCF-style: chr1-240371679-T-A.
Other names: c.3579T>A, p.Pro1193= (NM_001305424.2); c.1986+20117T>A (NM_001348094.2).
Identifiers: ClinVar variation 4823715 (VCV004823715.4).